The following is an entry in ClinVar:

NM_003803.4(MYOM1):c.2797C>T (p.Pro933Ser)

Gene: MYOM1 (myomesin 1; minus strand). Cytogenetic location: 18p11.31.
Variant type: single nucleotide variant.
Coding change: c.2797C>T on transcript NM_003803.4 (MANE Select); coding-DNA position 2797, C replaced by T.
Protein change: p.Pro933Ser; replaces proline 933 with serine.
Molecular consequence: missense variant.
Genome position (GRCh38, 1-based): chr18:3,126,895, G>A on the plus strand (C>T on the coding strand, the complement: MYOM1 is on the minus strand). VCF-style: chr18-3126895-G-A. GRCh37 (hg19) VCF-style: chr18-3126893-G-A.
Other names: c.2509C>T, p.Pro837Ser (NM_019856.2); short protein forms P933S, P837S.
Identifiers: ClinVar variation 2560336 (VCV002560336.2), dbSNP rs2510616060, ClinGen allele CA401708723.

ClinVar aggregate classification (germline): Uncertain significance (1 of 4 stars; one submission).

Submission:

Ambry Genetics
Classification: Uncertain significance. Last evaluated: 2023-05-27. Review status: criteria provided, single submitter. Criteria: Ambry Variant Classification Scheme 2023. Collection method: clinical testing. Allele origin: germline.
Comment: The p.P933S variant (also known as c.2797C>T), located in coding exon 18 of the MYOM1 gene, results from a C to T substitution at nucleotide position 2797. The proline at codon 933 is replaced by serine, an amino acid with similar properties. This amino acid position is conserved. In addition, this alteration is predicted to be tolerated by in silico analysis. Since supporting evidence is limited at this time, the clinical significance of this alteration remains unclear.